The following is an entry in ClinVar:

NC_012920.1(MT-TS1):m.7445A>C

Genes: MT-CO1 (mitochondrially encoded cytochrome c oxidase I; plus strand), MT-TS1 (mitochondrially encoded tRNA serine 1 (UCN); minus strand).
Variant type: single nucleotide variant.
Genome position: chrM-7445-A-C.
Other names: *514S; 7445A-C.
Identifiers: ClinVar variation 9568 (VCV000009568.6), dbSNP rs199474818, ClinGen allele CA340923.
Genomic context (GRCh38, chrMT:7,445, plus strand): 5'-ACTATATGGATGCCCCCCACCCTACCACACATTCGAAGAACCCGTATACATAAAATCTAG[A>C]CAAAAAAGGAAGGAATCGAACCCCCCAAAGCTGGTTTCAAGCCAACCCCATGGCCTCCAT-3'

ClinVar aggregate classification (germline): Uncertain significance. Review status: reviewed by expert panel (3 of 4 stars). 4 submissions from 4 submitters: Uncertain significance (1). 3 of the submissions do not count toward it. Last evaluated 2024-07-08.

Conditions:
Mitochondrial disease. Also called: Mitochondrial disorder; Mitochondrial disorders. Identifiers: Orphanet 68380, MedGen C0751651, MeSH D028361, MONDO:0044970.
Mitochondrial non-syndromic sensorineural hearing loss. Also called: Nonsyndromic Hearing Loss and Deafness, Mitochondrial. Identifiers: Orphanet 90641, MedGen C3151897, MONDO:0010779, OMIM 500008.

Submissions (4):

ClinGen Mitochondrial Disease Nuclear and Mitochondrial  Variant Curation Expert Panel, ClinGen
Classification: Uncertain significance for Mitochondrial disease. Last evaluated: 2024-07-08. Review status: reviewed by expert panel. Criteria: clingen mito disease acmg specifications v1-1. Collection method: curation. Allele origin: germline. Inheritance: Mitochondrial inheritance.
Comment: The m.7445A>C (p.*514S) variant in MT-CO1 has been reported in five unrelated individuals with primary mitochondrial disease to date (PS4_moderate; PMIDs: 10577941, 17659260, 18639500, 19705751). These individuals were of Asian background and had childhood onset hearing loss. Some had hearing loss after illness and in others no precipitating event could be identified. The variant was present at homoplasmy in these individuals. Detailed family history information was not provided in several cases. One family had three affected siblings however all were homoplasmic, precluding consideration for PP1 (PMID: 19705751). This variant is present in population databases (Mitomap's 51,863 sequences: AF=0.028%; Helix's 196,554 sequences: AF=0.001%; gnomAD v3.1.2: absent). There are no in-silico prediction tools for a stop-loss variant in mitochondrial DNA, although this variant would not be expected to cause run-through due to the excision of the tRNA immediately adjacent. Functional studies showed inefficient processing by tRNAseZ in the presence of this variant (PS3_supporting; PMID: 16361254). Another variant at this position has been classified as pathogenic – m.7445A>G (PM5_supporting). In summary, this variant meets criteria to be classified as uncertain significance for primary mitochondrial disease inherited in a mitochondrial manner. This classification was approved by the NICHD/NINDS U24 ClinGen Mitochondrial Disease Variant Curation Expert Panel on July 8, 2024. Mitochondrial DNA-specific ACMG/AMP criteria applied (PMID: 32906214): PS4_moderate, PS3_supporting, PM5_supporting.

Mendelics
Classification: Pathogenic for Mitochondrial non-syndromic sensorineural hearing loss. Last evaluated: 2022-05-04. Review status: criteria provided, single submitter. Criteria: Mendelics Assertion Criteria 2019. Collection method: clinical testing. Allele origin: germline. Not counted in ClinVar's aggregate classification.

OMIM
Classification: Pathogenic for DEAFNESS, NONSYNDROMIC SENSORINEURAL, MITOCHONDRIAL. Last evaluated: 2007-09-14. Review status: no assertion criteria provided. Collection method: literature only. Allele origin: germline. Not counted in ClinVar's aggregate classification.

GeneReviews
No classification provided. Condition: Mitochondrial non-syndromic sensorineural hearing loss. Review status: no classification provided. Collection method: literature only. Allele origin: maternal. Not counted in ClinVar's aggregate classification.

Literature cited by the submitters: PubMed 17659260 (cited by OMIM and GeneReviews); PubMed 10577941 (cited by GeneReviews); PubMed 18639500 (cited by GeneReviews); PubMed 20301595 (cited by GeneReviews).